The following is an entry in ClinVar:

NM_004563.4(PCK2):c.825T>C (p.Asp275=)

Genes: NRL (neural retina leucine zipper; minus strand), PCK2 (phosphoenolpyruvate carboxykinase 2, mitochondrial; plus strand). Cytogenetic location: 14q11.2.
Variant type: single nucleotide variant.
Coding change: c.825T>C on transcript NM_004563.4 (MANE Select); coding-DNA position 825, T replaced by C.
Protein change: p.Asp275=; no amino-acid change (aspartic acid 275 retained).
Molecular consequence: synonymous variant. On other transcripts: intron variant (3).
Genome position (GRCh38, 1-based): chr14:24,099,209, T>C. VCF-style: chr14-24099209-T-C. GRCh37 (hg19) VCF-style: chr14-24568418-T-C.
Other names: c.825T>C, p.Asp275= (NM_001018073.3); c.423T>C, p.Asp141= (NM_001291556.2, NM_001308054.2); c.-28+15513A>G (NM_001354768.3, NM_001354770.2); c.-253-14464A>G (NM_006177.5).
Identifiers: ClinVar variation 3239342 (VCV003239342.19), dbSNP rs1594298204.

ClinVar aggregate classification (germline): Likely benign (1 of 4 stars; one submission).

Submission:

CeGaT Center for Human Genetics Tuebingen
Classification: Likely benign. Last evaluated: 2024-05-01. Review status: criteria provided, single submitter. Criteria: CeGaT Center For Human Genetics Tuebingen Variant Classification Criteria Version 2. Collection method: clinical testing. Allele origin: germline. Affected: yes. Observed: 1 variant allele.
Comment: PCK2: PM2:Supporting, BP4, BP7